The following is an entry in ClinVar:

NM_001127222.2(CACNA1A):c.5528+16G>A

Gene: CACNA1A (calcium voltage-gated channel subunit alpha1 A; minus strand). Cytogenetic location: 19p13.13.
Variant type: single nucleotide variant.
Coding change: c.5528+16G>A on transcript NM_001127222.2 (MANE Select); 16 bases into the intron after coding-DNA position 5528, G replaced by A.
Molecular consequence: intron variant.
Genome position (GRCh38, 1-based): chr19:13,230,066, C>T on the plus strand (G>A on the coding strand, the complement: CACNA1A is on the minus strand). VCF-style: chr19-13230066-C-T. GRCh37 (hg19) VCF-style: chr19-13340880-C-T.
Other names: c.5531+16G>A (NM_001127221.2); c.5537+16G>A (NM_001174080.2); c.5546+16G>A (NM_000068.4, NM_023035.3).
Identifiers: ClinVar variation 388688 (VCV000388688.9), dbSNP rs775890060, ClinGen allele CA9239714.
Genomic context (GRCh38, chr19:13,230,066, plus strand): 5'-GGGCCTGACCTAGCCCGTGTTCCAGTTCCAGGGAGAGGTGAGTATTGTGGCTGGAGGATT[C>T]GGGGTGACTTCTTACCAAGCTGCGGGGTCATACTCGGCCCAGACACGCACGTACTCATCC-3'

ClinVar aggregate classification (germline): Likely benign. Review status: criteria provided, multiple submitters, no conflicts (2 of 4 stars). 2 submissions from 2 submitters: Likely benign (2). Last evaluated 2024-11-05.

Conditions:
Episodic ataxia type 2 (EA2). Also called: ATAXIA, EPISODIC, WITH NYSTAGMUS; ATAXIA, FAMILIAL PAROXYSMAL; CEREBELLAR ATAXIA, PAROXYSMAL, ACETAZOLAMIDE-RESPONSIVE; CEREBELLOPATHY, HEREDITARY PAROXYSMAL; ACETAZOLAMIDE-RESPONSIVE HEREDITARY PAROXYSMAL CEREBELLAR ATAXIA; EPISODIC ATAXIA, NYSTAGMUS-ASSOCIATED. Identifiers: Orphanet 97, MedGen C1720416, MONDO:0007163, OMIM 108500.
Developmental and epileptic encephalopathy, 42 (DEE42A). Also called: DEVELOPMENTAL AND EPILEPTIC ENCEPHALOPATHY 42A; EPILEPTIC ENCEPHALOPATHY, EARLY INFANTILE, 42A; Epileptic encephalopathy, early infantile, 42. Identifiers: MedGen C4310716, MONDO:0014917, OMIM 617106.

Allele frequency attached by ClinVar (database versions not stated): gnomAD 0.00001; ExAC 0.00002; gnomAD exomes 0.00002; TOPMed 0.00002.
gnomAD v4.1: 35 of 1,610,532 alleles (0.0022%); highest among the groups gnomAD compares: Admixed American, 0.0033%; no homozygotes.

Submissions (2):

Labcorp Genetics (formerly Invitae), Labcorp
Classification: Likely benign for Developmental and epileptic encephalopathy, 42; Episodic ataxia type 2. Last evaluated: 2024-11-05. Review status: criteria provided, single submitter. Criteria: Invitae Variant Classification Sherloc (09022015). Collection method: clinical testing. Allele origin: germline.

GeneDx
Classification: Likely benign. Last evaluated: 2016-08-19. Review status: criteria provided, single submitter. Criteria: GeneDx Variant Classification (06012015). Collection method: clinical testing. Allele origin: germline. Affected: yes.
Comment: This variant is considered likely benign or benign based on one or more of the following criteria: it is a conservative change, it occurs at a poorly conserved position in the protein, it is predicted to be benign by multiple in silico algorithms, and/or has population frequency not consistent with disease.